The following is an entry in ClinVar:

ClinVar aggregate classification (germline): Uncertain significance (1 of 4 stars; one submission).

Conditions:
Hereditary cancer-predisposing syndrome. Also called: Tumor predisposition; Neoplastic Syndromes, Hereditary; Hereditary Cancer Syndrome; Hereditary neoplastic syndrome. Identifiers: Orphanet 140162, MedGen C0027672, MeSH D009386, MONDO:0015356.

Submission:

Ambry Genetics
Classification: Uncertain significance for Hereditary cancer-predisposing syndrome. Last evaluated: 2024-11-07. Review status: criteria provided, single submitter. Criteria: Ambry Variant Classification Scheme 2023. Collection method: clinical testing. Allele origin: germline.
Comment: The c.396+964C>T intronic variant results from a C to T substitution 964 nucleotides after coding exon 2 in the FLCN gene. This nucleotide position is well conserved in available vertebrate species. In silico splice site analysis predicts that this alteration may result in the creation or strengthening of a novel splice acceptor site. RNA studies have demonstrated that this alteration results in a splice defect; the clinical impact of this abnormal splicing is unknown at this time (Ambry internal data). Based on the available evidence, the clinical significance of this variant remains unclear.

NM_144997.7(FLCN):c.396+964C>T

Gene: FLCN (folliculin; minus strand). Cytogenetic location: 17p11.2.
Variant type: single nucleotide variant.
Coding change: c.396+964C>T on transcript NM_144997.7 (MANE Select); 964 bases into the intron after coding-DNA position 396, C replaced by T.
Molecular consequence: intron variant.
Genome position (GRCh38, 1-based): chr17:17,225,212, G>A on the plus strand (C>T on the coding strand, the complement: FLCN is on the minus strand). VCF-style: chr17-17225212-G-A. GRCh37 (hg19) VCF-style: chr17-17128526-G-A.
Other names: c.396+964C>T (NM_001353231.2, NM_001353230.2, NM_144606.7); c.397-701C>T (NM_001353229.2).
Identifiers: ClinVar variation 3515665 (VCV003515665.1).
Genomic context (GRCh38, chr17:17,225,212, plus strand): 5'-CACACCTCAGCAGGCTGAGAGCAGCACGGGATCATCACTGAGACTTGGAATGAGGACTGA[G>A]ATAATAAAAAAAGGTGATGTTGATGCAATGAACCACCTAACCTAGAAATGCTTCCTATCT-3'